The following is an entry in ClinVar:

NM_022132.5(MCCC2):c.1417A>G (p.Met473Val)

Gene: MCCC2 (methylcrotonyl-CoA carboxylase subunit 2; plus strand). Cytogenetic location: 5q13.2.
Variant type: single nucleotide variant.
Coding change: c.1417A>G on transcript NM_022132.5 (MANE Select); coding-DNA position 1417, A replaced by G.
Protein change: p.Met473Val; replaces methionine 473 with valine.
Molecular consequence: missense variant.
Genome position (GRCh38, 1-based): chr5:71,650,112, A>G. VCF-style: chr5-71650112-A-G. GRCh37 (hg19) VCF-style: chr5-70945939-A-G.
Other names: c.1303A>G, p.Met435Val (NM_001363147.1); short protein forms M435V, M473V.
Identifiers: ClinVar variation 1311206 (VCV001311206.2), dbSNP rs2112469155, ClinGen allele CA359998933.

ClinVar aggregate classification (germline): Uncertain significance (1 of 4 stars; one submission).

Submission:

GeneDx
Classification: Uncertain significance. Last evaluated: 2020-01-17. Review status: criteria provided, single submitter. Criteria: GeneDx Variant Classification Process June 2021. Collection method: clinical testing. Allele origin: germline. Affected: yes.
Comment: Not observed in large population cohorts (Lek et al., 2016); Missense variants in this gene are often considered pathogenic (Stenson et al., 2014); In silico analysis, which includes protein predictors and evolutionary conservation, supports a deleterious effect; Has not been previously published as pathogenic or benign to our knowledge